The following is an entry in ClinVar:

NM_001039591.3(USP9X):c.2624T>A (p.Leu875His)

Gene: USP9X (ubiquitin specific peptidase 9 X-linked; plus strand). Cytogenetic location: Xp11.4.
Variant type: single nucleotide variant.
Coding change: c.2624T>A on transcript NM_001039591.3 (MANE Select); coding-DNA position 2624, T replaced by A.
Protein change: p.Leu875His; replaces leucine 875 with histidine.
Molecular consequence: missense variant.
Genome position (GRCh38, 1-based): chrX:41,168,206, T>A. VCF-style: chrX-41168206-T-A. GRCh37 (hg19) VCF-style: chrX-41027459-T-A.
Other names: c.2624T>A, p.Leu875His (NM_001039590.3); c.2639T>A, p.Leu880His (NM_001410748.1, NM_001410749.1); short protein forms L875H, L880H.
Identifiers: ClinVar variation 3378335 (VCV003378335.2).

ClinVar aggregate classification (germline): Uncertain significance. Review status: criteria provided, multiple submitters, no conflicts (2 of 4 stars). 2 submissions from 2 submitters: Uncertain significance (2). Last evaluated 2024-05-22.

gnomAD v4.1: 3 of 1,199,018 alleles (0.00025%); highest among the groups gnomAD compares: Non-Finnish European, 0.00034%; no homozygotes.

Submissions (2):

Blueprint Genetics
Classification: Uncertain significance. Last evaluated: 2024-05-22. Review status: criteria provided, single submitter. Criteria: ACMG Guidelines, 2015. Collection method: clinical testing. Allele origin: germline.

GeneDx
Classification: Uncertain significance. Last evaluated: 2024-05-13. Review status: criteria provided, single submitter. Criteria: GeneDx Variant Classification Process June 2021. Collection method: clinical testing. Allele origin: germline. Affected: yes.
Comment: Reported in a patient with primary ovarian insufficiency (PMID: 34718612); Not observed at significant frequency in large population cohorts (gnomAD); In silico analysis supports that this missense variant has a deleterious effect on protein structure/function; This variant is associated with the following publications: (PMID: 34718612)